The following is an entry in ClinVar:

ClinVar aggregate classification (germline): Uncertain significance (1 of 4 stars; one submission).

Conditions:
Combined immunodeficiency due to DOCK8 deficiency (HIES2). Also called: HIES autosomal recessive; HYPER-IgE SYNDROME 2, AUTOSOMAL RECESSIVE, WITH RECURRENT INFECTIONS; DOCK8 Deficiency; Hyper-IgE recurrent infection syndrome, autosomal recessive; HYPER-IgE RECURRENT INFECTION SYNDROME 2, AUTOSOMAL RECESSIVE. Identifiers: Orphanet 217390, MedGen C4722305, MONDO:0009478, OMIM 243700.

Submission:

Labcorp Genetics (formerly Invitae), Labcorp
Classification: Uncertain significance for Combined immunodeficiency due to DOCK8 deficiency. Last evaluated: 2021-10-11. Review status: criteria provided, single submitter. Criteria: Invitae Variant Classification Sherloc (09022015). Collection method: clinical testing. Allele origin: germline.
Comment: In summary, the available evidence is currently insufficient to determine the role of this variant in disease. Therefore, it has been classified as a Variant of Uncertain Significance. Algorithms developed to predict the effect of missense changes on protein structure and function are either unavailable or do not agree on the potential impact of this missense change (SIFT: "Deleterious"; PolyPhen-2: "Probably Damaging"; Align-GVGD: "Class C15"). This variant has not been reported in the literature in individuals affected with DOCK8-related conditions. This variant is not present in population databases (ExAC no frequency). This sequence change replaces glutamic acid with glycine at codon 740 of the DOCK8 protein (p.Glu740Gly). The glutamic acid residue is highly conserved and there is a moderate physicochemical difference between glutamic acid and glycine.

NM_203447.4(DOCK8):c.2219A>G (p.Glu740Gly)

Gene: DOCK8 (dedicator of cytokinesis 8; plus strand). Cytogenetic location: 9p24.3.
Variant type: single nucleotide variant.
Coding change: c.2219A>G on transcript NM_203447.4 (MANE Select); coding-DNA position 2219, A replaced by G.
Protein change: p.Glu740Gly; replaces glutamic acid 740 with glycine.
Molecular consequence: missense variant.
Genome position (GRCh38, 1-based): chr9:376,990, A>G. VCF-style: chr9-376990-A-G. GRCh37 (hg19) VCF-style: chr9-376990-A-G.
Other names: c.2015A>G, p.Glu672Gly (NM_001190458.2, NM_001193536.2); short protein forms E740G, E672G.
Identifiers: ClinVar variation 1524325 (VCV001524325.6), dbSNP rs2131262011, ClinGen allele CA372763039.